The following is an entry in ClinVar:

NM_000038.6(APC):c.6484A>T (p.Asn2162Tyr)

Gene: APC (APC regulator of Wnt signaling pathway; plus strand). Cytogenetic location: 5q22.2.
Variant type: single nucleotide variant.
Coding change: c.6484A>T on transcript NM_000038.6 (MANE Select); coding-DNA position 6484, A replaced by T.
Protein change: p.Asn2162Tyr; replaces asparagine 2162 with tyrosine.
Molecular consequence: missense variant. On other transcripts: non-coding transcript variant (2).
Genome position (GRCh38, 1-based): chr5:112,842,078, A>T. VCF-style: chr5-112842078-A-T. GRCh37 (hg19) VCF-style: chr5-112177775-A-T.
Other names: c.6538A>T, p.Asn2180Tyr (NM_001407447.1, NM_001407448.1, NM_001407449.1 and 1 more transcripts); c.6484A>T, p.Asn2162Tyr (NM_001407450.1, NM_001127510.3, NM_001354895.2); c.6235A>T, p.Asn2079Tyr (NM_001407454.1, NM_001407455.1, NM_001407456.1 and 1 more transcripts); c.6307A>T, p.Asn2103Tyr (NM_001407453.1, NM_001354901.2); c.6463A>T, p.Asn2155Tyr (NM_001407451.1); c.6454A>T, p.Asn2152Tyr (NM_001407452.1); c.6430A>T, p.Asn2144Tyr (NM_001127511.3); c.6514A>T, p.Asn2172Tyr (NM_001354897.2); and 11 more; short protein forms N2036Y, N2061Y, N2134Y, N2172Y, N1778Y, N1879Y, N2002Y, N2033Y.
Identifiers: ClinVar variation 2773499 (VCV002773499.2), dbSNP rs1766224879, ClinGen allele CA16035524.

ClinVar aggregate classification (germline): Uncertain significance (1 of 4 stars; one submission).

Conditions:
Hereditary cancer-predisposing syndrome. Also called: Hereditary neoplastic syndrome; Hereditary Cancer Syndrome; Neoplastic Syndromes, Hereditary; Tumor predisposition. Identifiers: Orphanet 140162, MedGen C0027672, MeSH D009386, MONDO:0015356.

Submission:

Color Diagnostics, LLC DBA Color Health
Classification: Uncertain significance for Hereditary cancer-predisposing syndrome. Last evaluated: 2024-03-07. Review status: criteria provided, single submitter. Criteria: ACMG Guidelines, 2015. Collection method: clinical testing. Allele origin: germline.
Comment: This missense variant replaces asparagine with tyrosine at codon 2162 of the APC protein. Computational prediction is inconclusive regarding the impact of this variant on protein structure and function (internally defined REVEL score threshold 0.5 < inconclusive < 0.7, PMID: 27666373). To our knowledge, functional studies have not been reported for this variant. This variant has not been reported in individuals affected with hereditary cancer in the literature. This variant has not been identified in the general population by the Genome Aggregation Database (gnomAD). The available evidence is insufficient to determine the role of this variant in disease conclusively. Therefore, this variant is classified as a Variant of Uncertain Significance.